The following is an entry in ClinVar:

ClinVar aggregate classification (germline): Pathogenic. Review status: criteria provided, multiple submitters, no conflicts (2 of 4 stars). 12 submissions from 12 submitters: Pathogenic (8). 4 of the submissions do not count toward it. Last evaluated 2026-09-21.

Conditions:
Fetal anomalies with a likely genetic cause.
Distal arthrogryposis type 5D (DA5D). Identifiers: Orphanet 329457, MedGen C3554415, MONDO:0014028, OMIM 615065.

Allele frequency attached by ClinVar (database versions not stated): gnomAD 0.00011; TOPMed 0.00021; gnomAD exomes 0.00004; ExAC 0.00005; 1000 Genomes Project 30x 0.00016; 1000 Genomes Project 0.00020; ESP Exome Variant Server 0.00023.
gnomAD v4.1: 36 of 1,612,554 alleles (0.0022%); highest among the groups gnomAD compares: African/African-American, 0.043%; no homozygotes.

Submissions (12):

Genetics Laboratory, Great Ormond Street Hospital NHS Foundation Trust, North Thames Genomic Laboratory Hub
Classification: Pathogenic for Fetal anomalies with a likely genetic cause. Last evaluated: 2026-09-21. Review status: criteria provided, single submitter. Criteria: ACGS Best Practice Guidelines for Variant Classification in Rare Disease 2024 v1.2. Collection method: clinical testing. Allele origin: germline. Affected: yes.
Comment: PM2_moderate, PVS1_very-strong, PM3_supporting

Laboratorio de Genetica e Diagnostico Molecular, Hospital Israelita Albert Einstein
Classification: Pathogenic for Distal arthrogryposis type 5D. Last evaluated: 2025-10-23. Review status: criteria provided, single submitter. Criteria: ACMG Guidelines, 2015. Collection method: clinical testing. Allele origin: germline. Affected: yes.
Comment: ACMG classification criteria: PVS1, PM2 supporting, PM3

Genomic Medicine Center of Excellence, King Faisal Specialist Hospital and Research Centre
Classification: Pathogenic for Distal arthrogryposis type 5D. Last evaluated: 2024-03-17. Review status: criteria provided, single submitter. Criteria: ACMG Guidelines, 2015. Collection method: research. Allele origin: germline.

ARUP Laboratories, Molecular Genetics and Genomics, ARUP Laboratories
Classification: Pathogenic for Distal arthrogryposis type 5D. Last evaluated: 2022-09-14. Review status: criteria provided, single submitter. Criteria: ARUP Molecular Germline Variant Investigation Process 2021. Collection method: clinical testing. Allele origin: germline.
Comment: The ECEL1 c.1470G>A; p.Trp490Ter variant (rs149459910) is reported in the literature in the compound heterozygous and homozygous states in individuals with distal arthrogryposis (AlBanji 2020, Dieterich 2013, Posey 2017). This variant is found in the African/African-American population with an allele frequency of 0.048% (12/24910 alleles) in the Genome Aggregation Database ; it is also reported in ClinVar (Variation ID: 374305). This variant induces an early termination codon and is predicted to result in a truncated protein or mRNA subject to nonsense-mediated decay. Based on available information, this variant is considered to be pathogenic. References: AlBanji MH et al. Utility of Hypotonia Diagnostic Investigations: A 12-year Single Center Study. Mol Genet Metab Rep. 2020 Oct 21;25:100665. PMID: 33101984 Dieterich K et al. The neuronal endopeptidase ECEL1 is associated with a distinct form of recessive distal arthrogryposis. Hum Mol Genet. 2013 Apr 15;22(8):1483-92. PMID: 23236030. Posey JE et al. Resolution of Disease Phenotypes Resulting from Multilocus Genomic Variation. N Engl J Med. 2017 Jan 5;376(1):21-31. PMID: 27959697

GeneDx
Classification: Pathogenic. Last evaluated: 2022-09-09. Review status: criteria provided, single submitter. Criteria: GeneDx Variant Classification Process June 2021. Collection method: clinical testing. Allele origin: germline. Affected: yes.
Comment: Nonsense variant predicted to result in protein truncation or nonsense mediated decay in a gene for which loss-of-function is a known mechanism of disease; This variant is associated with the following publications: (PMID: 27959697, 33491998, 23236030, 30131190, 31127727, 33101984, 33672664)

Dasa
Classification: Pathogenic for Distal arthrogryposis type 5D. Last evaluated: 2022-01-05. Review status: criteria provided, single submitter. Criteria: ACMG Guidelines, 2015. Collection method: clinical testing. Allele origin: germline. Affected: yes. Observed: 1 variant allele.
Comment: The c.1470G>A;p.(Trp490*) variant creates a premature translational stop signal in the ECEL1 gene. It is expected to result in an absent or disrupted protein product - PVS1.This sequence change has been observed in affected individual(s) and ClinVar contains an entry for this variant(ClinVar ID: 374305; PMID: 23236030) - PS4_moderate. The variant is present at low allele frequencies population databases (rs149459910 – gnomAD 0.01117%; ABraOM no frequency-) -PM2_supporting. The p.(Trp490*) was detected in trans with a pathogenic variant (PMID: 23236030) - PM3. In summary, the currently available evidence indicates that the variant is pathogenic.

Molecular Genetics Lab, CHRU Brest
Classification: Pathogenic for Distal arthrogryposis type 5D. Review status: criteria provided, single submitter. Criteria: ACMG Guidelines, 2015. Collection method: clinical testing. Allele origin: biparental. Affected: yes.

Pathology and Clinical Laboratory Medicine, King Fahad Medical City
Classification: Pathogenic for Distal arthrogryposis type 5D. Review status: criteria provided, single submitter. Criteria: ACMG Guidelines, 2015. Collection method: clinical testing. Allele origin: germline. Affected: yes. Observed: 2 variant alleles.

Biochemical Molecular Genetic Laboratory, King Abdulaziz Medical City
Classification: Pathogenic for Distal arthrogryposis type 5D. Last evaluated: 2020-02-05. Review status: no assertion criteria provided. Collection method: clinical testing. Allele origin: germline. Affected: yes. Not counted in ClinVar's aggregate classification.

Baylor Genetics
Classification: Pathogenic for Distal arthrogryposis type 5D. Last evaluated: 2014-09-29. Review status: no assertion criteria provided. Collection method: clinical testing. Allele origin: germline. Inheritance: Autosomal recessive inheritance. Affected: yes. Observed: 2 variant alleles, 1 heterozygote, 1 homozygote. Not counted in ClinVar's aggregate classification.
Comment: Compound heterozygous pathogenic variants including c.1470G>A (p.W490X) have been previously reported in a patient with recessive form of distal arthrogryposis (PMID 23236030). Heterozygotes for this variant would be expected to be asymptomatic carriers.

Genome Diagnostics Laboratory, Amsterdam University Medical Center
Classification: Pathogenic. Review status: no assertion criteria provided. Collection method: clinical testing. Allele origin: germline. Affected: yes. Study: VKGL Data-share Consensus. Not counted in ClinVar's aggregate classification.

Joint Genome Diagnostic Labs from Nijmegen and Maastricht, Radboudumc and MUMC+
Classification: Pathogenic. Review status: no assertion criteria provided. Collection method: clinical testing. Allele origin: germline. Affected: yes. Study: VKGL Data-share Consensus. Not counted in ClinVar's aggregate classification.

Literature cited by the submitters: PubMed 23236030 (cited by Dasa and Baylor Genetics).

NM_004826.4(ECEL1):c.1470G>A (p.Trp490Ter)

Gene: ECEL1 (endothelin converting enzyme like 1; minus strand). Cytogenetic location: 2q37.1.
Variant type: single nucleotide variant.
Coding change: c.1470G>A on transcript NM_004826.4 (MANE Select); coding-DNA position 1470, G replaced by A.
Protein change: p.Trp490Ter; replaces tryptophan 490 with a stop codon.
Molecular consequence: nonsense.
Genome position (GRCh38, 1-based): chr2:232,483,452, C>T on the plus strand (G>A on the coding strand, the complement: ECEL1 is on the minus strand). VCF-style: chr2-232483452-C-T. GRCh37 (hg19) VCF-style: chr2-233348162-C-T.
Other names: c.1470G>A, p.Trp490Ter (NM_001290787.2); short protein forms W490*.
Identifiers: ClinVar variation 374305 (VCV000374305.22), dbSNP rs149459910, ClinGen allele CA2167284.
Genomic context (GRCh38, chr2:232,483,452, plus strand): 5'-CAATGACACTGGGTCCCCCCTCACCTTGGCCCGAGCAGCAGCCCTGGTCTCGGCGTCCAT[C>T]CAGTCCAGCTCCTCCAGGCGCTGGCCCAGGATGTACTTGATGTCTTCCACTAGCTGCTGC-3'